The following is an entry in ClinVar:

NM_001126108.2(SLC12A3):c.2179-8C>T

Gene: SLC12A3 (solute carrier family 12 member 3; plus strand). Cytogenetic location: 16q13.
Variant type: single nucleotide variant.
Coding change: c.2179-8C>T on transcript NM_001126108.2 (MANE Select); 8 bases into the intron before coding-DNA position 2179, C replaced by T.
Molecular consequence: intron variant.
Genome position (GRCh38, 1-based): chr16:56,887,917, C>T. VCF-style: chr16-56887917-C-T. GRCh37 (hg19) VCF-style: chr16-56921829-C-T.
Other names: p.?; c.2179-8C>T (NM_000339.3); c.2176-8C>T (NM_001126107.2).
Identifiers: ClinVar variation 255885 (VCV000255885.24), dbSNP rs13306676, ClinGen allele CA8069782.

ClinVar aggregate classification (germline): Benign. Review status: criteria provided, multiple submitters, no conflicts (2 of 4 stars). 11 submissions from 11 submitters: Benign (9). 2 of the submissions do not count toward it. Last evaluated 2026-02-02.

Conditions:
Familial hypokalemia-hypomagnesemia (GTLMNS). Also called: gitelman syndrome; POTASSIUM AND MAGNESIUM DEPLETION; HYPOMAGNESEMIA-HYPOKALEMIA, PRIMARY RENOTUBULAR, WITH HYPOCALCIURIA. Identifiers: Orphanet 358, MedGen C0268450, MONDO:0009904, OMIM 263800.

Allele frequency attached by ClinVar (database versions not stated): 1000 Genomes Project 30x 0.09400; 1000 Genomes Project 0.09685; TOPMed 0.10448; ESP Exome Variant Server 0.10865; gnomAD 0.11154 and 0.11191; gnomAD exomes 0.12688 and 0.12786; ExAC 0.13001.
gnomAD v4.1: 203,013 of 1,608,166 alleles (13%); highest among the groups gnomAD compares: Non-Finnish European, 13%; 13,540 homozygotes.

Submissions (11):

Labcorp Genetics (formerly Invitae), Labcorp
Classification: Benign. Last evaluated: 2026-02-02. Review status: criteria provided, single submitter. Criteria: Invitae Variant Classification Sherloc (09022015). Collection method: clinical testing. Allele origin: germline.

Blueprint Genetics
Classification: Benign. Last evaluated: 2024-11-27. Review status: criteria provided, single submitter. Criteria: ACMG Guidelines, 2015. Collection method: clinical testing. Allele origin: germline.

Mayo Clinic Laboratories, Mayo Clinic
Classification: Benign. Last evaluated: 2022-10-04. Review status: criteria provided, single submitter. Criteria: ACMG Guidelines, 2015. Collection method: clinical testing. Allele origin: germline. Observed: 47 variant alleles.
Comment: BS1, BS2, BP4, BP7

Genome-Nilou Lab
Classification: Benign for Familial hypokalemia-hypomagnesemia. Last evaluated: 2021-07-10. Review status: criteria provided, single submitter. Criteria: ACMG Guidelines, 2015. Collection method: clinical testing. Allele origin: germline. Affected: no.

GeneDx
Classification: Benign. Last evaluated: 2019-09-29. Review status: criteria provided, single submitter. Criteria: GeneDx Variant Classification Process June 2021. Collection method: clinical testing. Allele origin: germline. Affected: yes.
Comment: This variant is associated with the following publications: (PMID: 28008009)

Illumina Laboratory Services, Illumina
Classification: Benign for Familial hypokalemia-hypomagnesemia. Last evaluated: 2018-01-12. Review status: criteria provided, single submitter. Criteria: ICSL Variant Classification Criteria 13 December 2019. Collection method: clinical testing. Allele origin: germline.
Comment: This variant was observed in the ICSL laboratory as part of a predisposition screen in an ostensibly healthy population. It had not been previously curated by ICSL or reported in the Human Gene Mutation Database (HGMD: prior to June 1st, 2018), and was therefore a candidate for classification through an automated scoring system. Utilizing variant allele frequency, disease prevalence and penetrance estimates, and inheritance mode, an automated score was calculated to assess if this variant is too frequent to cause the disease. Based on the score and internal cut-off values, a variant classified as benign is not then subjected to further curation. The score for this variant resulted in a classification of benign for this disease.

Athena Diagnostics
Classification: Benign for Familial hypokalemia-hypomagnesemia. Last evaluated: 2017-06-28. Review status: criteria provided, single submitter. Criteria: Athena Diagnostics Criteria. Collection method: clinical testing. Allele origin: germline.

Breakthrough Genomics
Classification: Benign. Review status: criteria provided, single submitter. Criteria: ACMG Guidelines, 2015. Collection method: not provided. Allele origin: germline. Inheritance: Autosomal recessive inheritance. Affected: yes.

PreventionGenetics, part of Exact Sciences
Classification: Benign. Review status: criteria provided, single submitter. Criteria: ACMG Guidelines, 2015. Collection method: clinical testing. Allele origin: germline.

Genome Diagnostics Laboratory, University Medical Center Utrecht
Classification: Benign. Review status: no assertion criteria provided. Collection method: clinical testing. Allele origin: germline. Affected: yes. Study: VKGL Data-share Consensus. Not counted in ClinVar's aggregate classification.

Joint Genome Diagnostic Labs from Nijmegen and Maastricht, Radboudumc and MUMC+
Classification: Benign. Review status: no assertion criteria provided. Collection method: clinical testing. Allele origin: germline. Affected: yes. Study: VKGL Data-share Consensus. Not counted in ClinVar's aggregate classification.